The following is an entry in ClinVar:

ClinVar aggregate classification (germline): Uncertain significance. Review status: criteria provided, multiple submitters, no conflicts (2 of 4 stars). 2 submissions from 2 submitters: Uncertain significance (2). Last evaluated 2026-01-02.

Conditions:
GRIN2A-related complex neurodevelopmental disorder. Also called: GRIN2A-related disorder; GRIN2A-related condition. Identifiers: MedGen CN379781, MONDO:1060139.

gnomAD v4.1: 1 of 1,614,116 alleles (0.000062%); no homozygotes.

Submissions (2):

PreventionGenetics, part of Exact Sciences
Classification: Uncertain significance for GRIN2A-related condition. Last evaluated: 2026-01-02. Review status: criteria provided, single submitter. Criteria: ACMG Guidelines, 2015. Collection method: clinical testing. Allele origin: germline.
Comment: The GRIN2A c.577A>G variant is predicted to result in the amino acid substitution p.Asn193Asp. To our knowledge, this variant has not been reported in the literature or in a large population database (gnomAD), indicating this variant is rare. At this time, the clinical significance of this variant is uncertain due to the absence of conclusive functional and genetic evidence.

GeneDx
Classification: Uncertain significance. Last evaluated: 2024-05-13. Review status: criteria provided, single submitter. Criteria: GeneDx Variant Classification Process June 2021. Collection method: clinical testing. Allele origin: germline. Affected: yes.
Comment: Not observed at significant frequency in large population cohorts (gnomAD); In silico analysis supports that this missense variant has a deleterious effect on protein structure/function; Has not been previously published as pathogenic or benign to our knowledge

NM_001134407.3(GRIN2A):c.577A>G (p.Asn193Asp)

Gene: GRIN2A (glutamate ionotropic receptor NMDA type subunit 2A; minus strand). Cytogenetic location: 16p13.2.
Variant type: single nucleotide variant.
Coding change: c.577A>G on transcript NM_001134407.3 (MANE Select); coding-DNA position 577, A replaced by G.
Protein change: p.Asn193Asp; replaces asparagine 193 with aspartic acid.
Molecular consequence: missense variant.
Genome position (GRCh38, 1-based): chr16:9,938,389, T>C on the plus strand (A>G on the coding strand, the complement: GRIN2A is on the minus strand). VCF-style: chr16-9938389-T-C. GRCh37 (hg19) VCF-style: chr16-10032246-T-C.
Other names: c.577A>G (NM_000833.4); c.577A>G, p.Asn193Asp (NM_000833.5, NM_001134408.2); short protein forms N193D.
Identifiers: ClinVar variation 3378347 (VCV003378347.2).